The following is an entry in ClinVar:

NM_016373.4(WWOX):c.1239C>T (p.Ser413=)

Genes: MAF (MAF bZIP transcription factor; minus strand), WWOX (WW domain containing oxidoreductase; plus strand). Cytogenetic location: 16q23.2.
Variant type: single nucleotide variant.
Coding change: c.1239C>T on transcript NM_016373.4 (MANE Select); coding-DNA position 1239, C replaced by T.
Protein change: p.Ser413=; no amino-acid change (serine 413 retained).
Molecular consequence: synonymous variant.
Genome position (GRCh38, 1-based): chr16:79,211,790, C>T. VCF-style: chr16-79211790-C-T. GRCh37 (hg19) VCF-style: chr16-79245687-C-T.
Other names: c.900C>T, p.Ser300= (NM_001291997.2).
Identifiers: ClinVar variation 241100 (VCV000241100.49), dbSNP rs199576434, ClinGen allele CA8183809.
Genomic context (GRCh38, chr16:79,211,790, plus strand): 5'-GGCCCGGACCCTGTGGGCGCTCAGCGAGAGGCTGATCCAAGAACGGCTTGGCAGCCAGTC[C>T]GGCTAAGTGGAGCTCAGAGCGGATGGGCACACACACCCGCCCTGTGTGTGTCCCCTCACG-3'
Protein context (NP_057457.1, residues 403-414): RLIQERLGSQ[Ser413=]G

ClinVar aggregate classification (germline): Benign/Likely benign. Review status: criteria provided, multiple submitters, no conflicts (2 of 4 stars). 7 submissions from 6 submitters: Benign (6); Likely benign (1). Last evaluated 2026-10-01.

Conditions:
Autosomal recessive spinocerebellar ataxia 12. Also called: SPINOCEREBELLAR ATAXIA WITH MENTAL RETARDATION AND EPILEPSY. Identifiers: Orphanet 284282, MedGen C3280452, MONDO:0013687, OMIM 614322.
Developmental and epileptic encephalopathy, 1 (DEE1). Also called: X-linked infantile spasms; West's syndrome; Tonic spasms with clustering, arrest of psychomotor development and hypsarrhythmia on EEG; X-Linked Infantile Spasm Syndrome; OHTAHARA SYNDROME, X-LINKED; INFANTILE SPASM SYNDROME, X-LINKED 1. Identifiers: MedGen C3463992, MONDO:0010632, OMIM 308350. Disease mechanism: loss of function.
Developmental and epileptic encephalopathy, 28 (DEE28). Also called: Epileptic encephalopathy, early infantile, 28. Identifiers: Orphanet 442835, MedGen C4015519, MONDO:0014533, OMIM 616211.

Allele frequency attached by ClinVar (database versions not stated): 1000 Genomes Project 0.00319; 1000 Genomes Project 30x 0.00328; ESP Exome Variant Server 0.00516; TOPMed 0.00531.
gnomAD v4.1: 12,208 of 1,614,096 alleles (0.76%); highest among the groups gnomAD compares: Non-Finnish European, 0.81%; 72 homozygotes.

Submissions (7):

CeGaT Center for Human Genetics Tuebingen
Classification: Likely benign. Last evaluated: 2026-10-01. Review status: criteria provided, single submitter. Criteria: CeGaT Center For Human Genetics Tuebingen Variant Classification Criteria Version 2. Collection method: clinical testing. Allele origin: germline. Affected: yes. Observed: 57 variant alleles.
Comment: WWOX: BP4, BP7, BS2

Labcorp Genetics (formerly Invitae), Labcorp
Classification: Benign for Developmental and epileptic encephalopathy, 1; Autosomal recessive spinocerebellar ataxia 12. Last evaluated: 2026-02-03. Review status: criteria provided, single submitter. Criteria: Invitae Variant Classification Sherloc (09022015). Collection method: clinical testing. Allele origin: germline.

Athena Diagnostics
Classification: Benign. Last evaluated: 2024-11-13. Review status: criteria provided, single submitter. Criteria: Athena Diagnostics Criteria. Collection method: clinical testing. Allele origin: unknown.

Genome-Nilou Lab
Classification: Benign for Developmental and epileptic encephalopathy, 28. Last evaluated: 2021-12-05. Review status: criteria provided, single submitter. Criteria: ACMG Guidelines, 2015. Collection method: clinical testing. Allele origin: germline. Affected: no.

Genome-Nilou Lab
Classification: Benign for Autosomal recessive spinocerebellar ataxia 12. Last evaluated: 2021-12-05. Review status: criteria provided, single submitter. Criteria: ACMG Guidelines, 2015. Collection method: clinical testing. Allele origin: germline. Affected: no.

GeneDx
Classification: Benign. Last evaluated: 2016-07-26. Review status: criteria provided, single submitter. Criteria: GeneDx Variant Classification (06012015). Collection method: clinical testing. Allele origin: germline. Affected: yes.
Comment: This variant is considered likely benign or benign based on one or more of the following criteria: it is a conservative change, it occurs at a poorly conserved position in the protein, it is predicted to be benign by multiple in silico algorithms, and/or has population frequency not consistent with disease.

PreventionGenetics, part of Exact Sciences
Classification: Benign. Review status: criteria provided, single submitter. Criteria: ACMG Guidelines, 2015. Collection method: clinical testing. Allele origin: germline.